The following is an entry in ClinVar:

ClinVar aggregate classification (germline): Uncertain significance (1 of 4 stars; one submission).

Conditions:
Hereditary cancer-predisposing syndrome. Also called: Neoplastic Syndromes, Hereditary; Tumor predisposition; Hereditary Cancer Syndrome; Hereditary neoplastic syndrome. Identifiers: Orphanet 140162, MedGen C0027672, MeSH D009386, MONDO:0015356.

gnomAD v4.1: 5 of 1,613,662 alleles (0.00031%); highest among the groups gnomAD compares: Non-Finnish European, 0.00042%; no homozygotes.

Submission:

Ambry Genetics
Classification: Uncertain significance for Hereditary cancer-predisposing syndrome. Last evaluated: 2022-06-07. Review status: criteria provided, single submitter. Criteria: Ambry Variant Classification Scheme 2023. Collection method: clinical testing. Allele origin: germline.
Comment: The p.I385M variant (also known as c.1155C>G), located in coding exon 9 of the POLD1 gene, results from a C to G substitution at nucleotide position 1155. The isoleucine at codon 385 is replaced by methionine, an amino acid with highly similar properties. This amino acid position is conserved. In addition, this alteration is predicted to be tolerated by in silico analysis. Since supporting evidence is limited at this time, the clinical significance of this alteration remains unclear.

NM_002691.4(POLD1):c.1155C>G (p.Ile385Met)

Gene: POLD1 (DNA polymerase delta 1, catalytic subunit; plus strand). Cytogenetic location: 19q13.33.
Variant type: single nucleotide variant.
Coding change: c.1155C>G on transcript NM_002691.4 (MANE Select); coding-DNA position 1155, C replaced by G.
Protein change: p.Ile385Met; replaces isoleucine 385 with methionine.
Molecular consequence: missense variant. On other transcripts: non-coding transcript variant (1).
Genome position (GRCh38, 1-based): chr19:50,403,510, C>G. VCF-style: chr19-50403510-C-G. GRCh37 (hg19) VCF-style: chr19-50906767-C-G.
Other names: c.1155C>G, p.Ile385Met (NM_001256849.1, NM_001308632.1); short protein forms I385M.
Identifiers: ClinVar variation 1735100 (VCV001735100.2), dbSNP rs1555790563, ClinGen allele CA406978459.